The following is an entry in ClinVar:

ClinVar aggregate classification (germline): Uncertain significance (1 of 4 stars; one submission).

Conditions:
Familial encephalopathy with neuroserpin inclusion bodies. Also called: ENCEPHALOPATHY, FAMILIAL, WITH COLLINS BODIES. Identifiers: Orphanet 85110, MedGen C1858680, MONDO:0011412, OMIM 604218.

gnomAD v4.1: 1 of 1,614,010 alleles (0.000062%); highest among the groups gnomAD compares: African/African-American, 0.0013%; no homozygotes.

Submission:

Labcorp Genetics (formerly Invitae), Labcorp
Classification: Uncertain significance for Familial encephalopathy with neuroserpin inclusion bodies. Last evaluated: 2025-04-01. Review status: criteria provided, single submitter. Criteria: Invitae Variant Classification Sherloc (09022015). Collection method: clinical testing. Allele origin: germline.
Comment: This sequence change replaces phenylalanine, which is neutral and non-polar, with leucine, which is neutral and non-polar, at codon 7 of the SERPINI1 protein (p.Phe7Leu). This variant is present in population databases (no rsID available, gnomAD 0.01%). This variant has not been reported in the literature in individuals affected with SERPINI1-related conditions. Invitae Evidence Modeling of protein sequence and biophysical properties (such as structural, functional, and spatial information, amino acid conservation, physicochemical variation, residue mobility, and thermodynamic stability) indicates that this missense variant is not expected to disrupt SERPINI1 protein function with a negative predictive value of 95%. In summary, the available evidence is currently insufficient to determine the role of this variant in disease. Therefore, it has been classified as a Variant of Uncertain Significance.

NM_001122752.2(SERPINI1):c.19T>C (p.Phe7Leu)

Gene: SERPINI1 (serpin family I member 1; plus strand). Cytogenetic location: 3q26.1.
Variant type: single nucleotide variant.
Coding change: c.19T>C on transcript NM_001122752.2 (MANE Select); coding-DNA position 19, T replaced by C.
Protein change: p.Phe7Leu; replaces phenylalanine 7 with leucine.
Molecular consequence: missense variant.
Genome position (GRCh38, 1-based): chr3:167,789,147, T>C. VCF-style: chr3-167789147-T-C. GRCh37 (hg19) VCF-style: chr3-167506935-T-C.
Other names: c.19T>C, p.Phe7Leu (NM_005025.5); short protein forms F7L.
Identifiers: ClinVar variation 4761601 (VCV004761601.1).
Genomic context (GRCh38, chr3:167,789,147, plus strand): 5'-AATATGTAAATTGTTGTTTTTTAGGCTTGAAACTGTTACAATATGGCTTTCCTTGGACTC[T>C]TCTCTTTGCTGGTTCTGCAAAGTATGGCTACAGGGGCCACTTTCCCTGAGGAAGCCATTG-3'
Protein context (NP_001116224.1, residues 1-17): MAFLGL[Phe7Leu]SLLVLQSMAT